The following is an entry in ClinVar:

NM_000093.5(COL5A1):c.2484+118G>A

Gene: COL5A1 (collagen type V alpha 1 chain; plus strand). Cytogenetic location: 9q34.3.
Variant type: single nucleotide variant.
Coding change: c.2484+118G>A on transcript NM_000093.5 (MANE Select); 118 bases into the intron after coding-DNA position 2484, G replaced by A.
Molecular consequence: intron variant.
Genome position (GRCh38, 1-based): chr9:134,782,838, G>A. VCF-style: chr9-134782838-G-A. GRCh37 (hg19) VCF-style: chr9-137674684-G-A.
Other names: c.2484+118G>A (NM_001278074.1).
Identifiers: ClinVar variation 674676 (VCV000674676.2), dbSNP rs55633279, ClinGen allele CA201104411.

ClinVar aggregate classification (germline): Benign. Review status: criteria provided, multiple submitters, no conflicts (2 of 4 stars). 2 submissions from 2 submitters: Benign (2). Last evaluated 2018-06-14.

Allele frequency attached by ClinVar (database versions not stated): gnomAD exomes 0.05410; gnomAD 0.08879 and 0.09175; TOPMed 0.09264; 1000 Genomes Project 0.09525; 1000 Genomes Project 30x 0.09603.
gnomAD v4.1: 60,591 of 1,017,936 alleles (6%); highest among the groups gnomAD compares: African/African-American, 19%; 2,651 homozygotes.

Submissions (2):

GeneDx
Classification: Benign. Last evaluated: 2018-06-14. Review status: criteria provided, single submitter. Criteria: GeneDx Variant Classification (06012015). Collection method: clinical testing. Allele origin: germline. Affected: yes.
Comment: This variant is considered likely benign or benign based on one or more of the following criteria: it is a conservative change, it occurs at a poorly conserved position in the protein, it is predicted to be benign by multiple in silico algorithms, and/or has population frequency not consistent with disease.

Breakthrough Genomics
Classification: Benign. Review status: criteria provided, single submitter. Criteria: ACMG Guidelines, 2015. Collection method: not provided. Allele origin: germline. Inheritance: Autosomal dominant inheritance. Affected: yes.